The following is an entry in ClinVar:

NM_000199.5(SGSH):c.1210G>A (p.Val404Ile)

Gene: SGSH (N-sulfoglucosamine sulfohydrolase; minus strand). Cytogenetic location: 17q25.3.
Variant type: single nucleotide variant.
Coding change: c.1210G>A on transcript NM_000199.5 (MANE Select); coding-DNA position 1210, G replaced by A.
Protein change: p.Val404Ile; replaces valine 404 with isoleucine.
Molecular consequence: missense variant. On other transcripts: 3 prime UTR variant (2), non-coding transcript variant (1).
Genome position (GRCh38, 1-based): chr17:80,210,751, C>T on the plus strand (G>A on the coding strand, the complement: SGSH is on the minus strand). VCF-style: chr17-80210751-C-T. GRCh37 (hg19) VCF-style: chr17-78184550-C-T.
Other names: p.Val404Ile; c.*297G>A (NM_001352921.3); c.*260G>A (NM_001352922.2); short protein forms V404I.
Identifiers: ClinVar variation 753069 (VCV000753069.20), dbSNP rs191465934, ClinGen allele CA8817646.
Genomic context (GRCh38, chr17:80,210,751, plus strand): 5'-ACCAGCCCGTGGGCTGACCAGCTGTGGTGCGGTTCAGGAGGTCCTGGAAGGTGGGTGAGA[C>T]GTAGAAGTCCTGGTCGATGGGAAAGGGCATCTTGAAGTTGAGGTTGTGCACGAGGCGGAA-3'
Protein context (NP_000190.1, residues 394-414): MPFPIDQDFY[Val404Ile]SPTFQDLLNR

ClinVar aggregate classification (germline): Conflicting classifications of pathogenicity. Review status: criteria provided, conflicting classifications (1 of 4 stars). 6 submissions from 6 submitters: Uncertain significance (1); Benign (1); Likely benign (4). Last evaluated 2025-12-08.

Conditions:
Mucopolysaccharidosis, MPS-III-A (MPS3A). Also called: MUCOPOLYSACCHARIDOSIS, TYPE IIIA, ATTENUATED; Mucopolysaccharidosis, type IIIA; MPS III A; MPS IIIA (Sanfilippo Syndrome Type A); HEPARAN SULFATE SULFATASE DEFICIENCY; SANFILIPPO SYNDROME A. Identifiers: Orphanet 581, Orphanet 79269, MedGen C0086647, MONDO:0009655, OMIM 252900.
SGSH-related disorder. Also called: SGSH-related condition.

Allele frequency attached by ClinVar (database versions not stated): gnomAD 0.00001 and 0.00005; TOPMed 0.00002; 1000 Genomes Project 30x 0.00016; 1000 Genomes Project 0.00020; ExAC 0.00032; gnomAD exomes 0.00032.
gnomAD v4.1: 245 of 1,613,992 alleles (0.015%); highest among the groups gnomAD compares: South Asian, 0.23%; 3 homozygotes.

Submissions (6):

Labcorp Genetics (formerly Invitae), Labcorp
Classification: Likely benign for Mucopolysaccharidosis, MPS-III-A. Last evaluated: 2025-12-08. Review status: criteria provided, single submitter. Criteria: Invitae Variant Classification Sherloc (09022015). Collection method: clinical testing. Allele origin: germline.

CeGaT Center for Human Genetics Tuebingen
Classification: Likely benign. Last evaluated: 2025-12-01. Review status: criteria provided, single submitter. Criteria: CeGaT Center For Human Genetics Tuebingen Variant Classification Criteria Version 2. Collection method: clinical testing. Allele origin: germline. Affected: yes. Observed: 1 variant allele.
Comment: SGSH: BP4, BS2

PreventionGenetics, part of Exact Sciences
Classification: Likely benign for SGSH-related condition. Last evaluated: 2025-03-12. Review status: criteria provided, single submitter. Criteria: ACMG Guidelines, 2015. Collection method: clinical testing. Allele origin: germline.
Comment: This variant is classified as likely benign based on ACMG/AMP sequence variant interpretation guidelines (Richards et al. 2015 PMID: 25741868, with internal and published modifications).

Mayo Clinic Laboratories, Mayo Clinic
Classification: Likely benign. Last evaluated: 2025-02-10. Review status: criteria provided, single submitter. Criteria: ACMG Guidelines, 2015. Collection method: clinical testing. Allele origin: germline. Observed: 1 variant allele.
Comment: BS1, BP4_moderate

Blueprint Genetics
Classification: Benign. Last evaluated: 2024-11-18. Review status: criteria provided, single submitter. Criteria: ACMG Guidelines, 2015. Collection method: clinical testing. Allele origin: germline.

GeneDx
Classification: Uncertain significance. Last evaluated: 2023-11-10. Review status: criteria provided, single submitter. Criteria: GeneDx Variant Classification Process June 2021. Collection method: clinical testing. Allele origin: germline. Affected: yes.
Comment: In silico analysis supports that this missense variant does not alter protein structure/function; Has not been previously published as pathogenic or benign to our knowledge